The following is an entry in ClinVar:

NM_004211.5(SLC6A5):c.2171G>C (p.Cys724Ser)

Gene: SLC6A5 (solute carrier family 6 member 5; plus strand). Cytogenetic location: 11p15.1.
Variant type: single nucleotide variant.
Coding change: c.2171G>C on transcript NM_004211.5 (MANE Select); coding-DNA position 2171, G replaced by C.
Protein change: p.Cys724Ser; replaces cysteine 724 with serine.
Molecular consequence: missense variant.
Genome position (GRCh38, 1-based): chr11:20,652,389, G>C. VCF-style: chr11-20652389-G-C. GRCh37 (hg19) VCF-style: chr11-20673935-G-C.
Other names: c.1469G>C, p.Cys490Ser (NM_001318369.2); short protein forms C490S, C724S.
Identifiers: ClinVar variation 1302994 (VCV001302994.9), dbSNP rs142440636, ClinGen allele CA5921711.

ClinVar aggregate classification (germline): Conflicting classifications of pathogenicity. Review status: criteria provided, conflicting classifications (1 of 4 stars). 2 submissions from 2 submitters: Uncertain significance (1); Benign (1). Last evaluated 2026-01-01.

Conditions:
Hyperekplexia 3 (HKPX3). Also called: HYPEREKPLEXIA 3, AUTOSOMAL RECESSIVE; HYPEREKPLEXIA 3, AUTOSOMAL DOMINANT. Identifiers: Orphanet 3197, MedGen C3553288, MONDO:0013827, OMIM 614618.

Allele frequency attached by ClinVar (database versions not stated): 1000 Genomes Project 30x 0.00031; 1000 Genomes Project 0.00040; TOPMed 0.00072; gnomAD 0.00073 and 0.00076; ESP Exome Variant Server 0.00108.
gnomAD v4.1: 205 of 1,614,088 alleles (0.013%); highest among the groups gnomAD compares: African/African-American, 0.25%; no homozygotes.

Submissions (2):

Labcorp Genetics (formerly Invitae), Labcorp
Classification: Benign for Hyperekplexia 3. Last evaluated: 2026-01-01. Review status: criteria provided, single submitter. Criteria: Invitae Variant Classification Sherloc (09022015). Collection method: clinical testing. Allele origin: germline.

GeneDx
Classification: Uncertain significance. Last evaluated: 2021-01-29. Review status: criteria provided, single submitter. Criteria: GeneDx Variant Classification Process June 2021. Collection method: clinical testing. Allele origin: germline. Affected: yes.
Comment: In silico analysis supports that this missense variant does not alter protein structure/function; Has not been previously published as pathogenic or benign to our knowledge